The following is an entry in ClinVar:

ClinVar aggregate classification (germline): Uncertain significance (1 of 4 stars; one submission).

Allele frequency attached by ClinVar (database versions not stated): gnomAD exomes below 0.00001.

Submission:

Labcorp Genetics (formerly Invitae), Labcorp
Classification: Uncertain significance. Last evaluated: 2022-10-18. Review status: criteria provided, single submitter. Criteria: Invitae Variant Classification Sherloc (09022015). Collection method: clinical testing. Allele origin: germline.
Comment: In summary, the available evidence is currently insufficient to determine the role of this variant in disease. Therefore, it has been classified as a Variant of Uncertain Significance. Variants that disrupt the consensus splice site are a relatively common cause of aberrant splicing (PMID: 17576681, 9536098). Algorithms developed to predict the effect of sequence changes on RNA splicing suggest that this variant may disrupt the consensus splice site. This variant has not been reported in the literature in individuals affected with TYROBP-related conditions. The frequency data for this variant in the population databases is considered unreliable, as metrics indicate poor data quality at this position in the gnomAD database. This sequence change falls in intron 4 of the TYROBP gene. It does not directly change the encoded amino acid sequence of the TYROBP protein. It affects a nucleotide within the consensus splice site.

Literature cited by the submitters: PubMed 17576681; PubMed 9536098.

NM_003332.4(TYROBP):c.276+5G>A

Gene: TYROBP (transmembrane immune signaling adaptor TYROBP; minus strand). Cytogenetic location: 19q13.12.
Variant type: single nucleotide variant.
Coding change: c.276+5G>A on transcript NM_003332.4 (MANE Select); 5 bases into the intron after coding-DNA position 276, G replaced by A.
Molecular consequence: intron variant.
Genome position (GRCh38, 1-based): chr19:35,907,213, C>T on the plus strand (G>A on the coding strand, the complement: TYROBP is on the minus strand). VCF-style: chr19-35907213-C-T. GRCh37 (hg19) VCF-style: chr19-36398115-C-T.
Other names: c.240+5G>A (NM_001173515.2); c.243+5G>A (NM_001173514.2); c.273+5G>A (NM_198125.3).
Identifiers: ClinVar variation 1935432 (VCV001935432.5), dbSNP rs1034356477, ClinGen allele CA307787202.